The following is an entry in ClinVar:

NM_020911.2(PLXNA4):c.1303G>C (p.Val435Leu)

Gene: PLXNA4 (plexin A4; minus strand). Cytogenetic location: 7q32.3.
Variant type: single nucleotide variant.
Coding change: c.1303G>C on transcript NM_020911.2 (MANE Select); coding-DNA position 1303, G replaced by C.
Protein change: p.Val435Leu; replaces valine 435 with leucine.
Molecular consequence: missense variant.
Genome position (GRCh38, 1-based): chr7:132,489,360, C>G on the plus strand (G>C on the coding strand, the complement: PLXNA4 is on the minus strand). VCF-style: chr7-132489360-C-G. GRCh37 (hg19) VCF-style: chr7-132174119-C-G.
Other names: c.1303G>C, p.Val435Leu (NM_001105543.2, NM_001393897.1, NM_181775.4); short protein forms V435L.
Identifiers: ClinVar variation 2219829 (VCV002219829.4), dbSNP rs150905373, ClinGen allele CA4490312.

ClinVar aggregate classification (germline): Uncertain significance. Review status: criteria provided, multiple submitters, no conflicts (2 of 4 stars). 2 submissions from 2 submitters: Uncertain significance (2). Last evaluated 2026-03-14.

Conditions:
PLXNA4-related disorder. Also called: PLXNA4-related condition.

Allele frequency attached by ClinVar (database versions not stated): ExAC 0.00002; ESP Exome Variant Server 0.00008; gnomAD exomes 0.00009.
gnomAD v4.1: 128 of 1,606,486 alleles (0.008%); highest among the groups gnomAD compares: Non-Finnish European, 0.011%; no homozygotes.

Submissions (2):

PreventionGenetics, part of Exact Sciences
Classification: Uncertain significance for PLXNA4-related condition. Last evaluated: 2026-03-14. Review status: criteria provided, single submitter. Criteria: ACMG Guidelines, 2015. Collection method: clinical testing. Allele origin: germline.
Comment: The PLXNA4 c.1303G>C variant is predicted to result in the amino acid substitution p.Val435Leu. To our knowledge, this variant has not been reported in the literature. This variant is reported in 0.0062% of alleles in individuals of African descent in gnomAD. At this time, the clinical significance of this variant is uncertain due to the absence of conclusive functional and genetic evidence.

Ambry Genetics
Classification: Uncertain significance. Last evaluated: 2021-07-15. Review status: criteria provided, single submitter. Criteria: Ambry Variant Classification Scheme 2023. Collection method: clinical testing. Allele origin: germline.